The following is an entry in ClinVar:

NM_001384140.1(PCDH15):c.2354A>G (p.Tyr785Cys)

Gene: PCDH15 (protocadherin related 15; minus strand). Cytogenetic location: 10q21.1.
Variant type: single nucleotide variant.
Coding change: c.2354A>G on transcript NM_001384140.1 (MANE Select); coding-DNA position 2354, A replaced by G.
Protein change: p.Tyr785Cys; replaces tyrosine 785 with cysteine.
Molecular consequence: missense variant.
Genome position (GRCh38, 1-based): chr10:54,023,064, T>C on the plus strand (A>G on the coding strand, the complement: PCDH15 is on the minus strand). VCF-style: chr10-54023064-T-C. GRCh37 (hg19) VCF-style: chr10-55782824-T-C.
Other names: c.2369A>G, p.Tyr790Cys (NM_001142763.2, NM_001142771.2); c.2354A>G, p.Tyr785Cys (NM_001142764.2, NM_001142766.2, NM_001142770.3 and 5 more transcripts); c.2141A>G, p.Tyr714Cys (NM_001142765.2); c.2243A>G, p.Tyr748Cys (NM_001142767.2); c.2288A>G, p.Tyr763Cys (NM_001142768.2, NM_001142773.2, NM_001354404.2); c.2390A>G, p.Tyr797Cys (NM_001142769.4); c.2375A>G, p.Tyr792Cys (NM_001354411.2); short protein forms Y785C, Y763C, Y790C, Y797C, Y748C, Y714C, Y792C.
Identifiers: ClinVar variation 517506 (VCV000517506.6), dbSNP rs753912234, ClinGen allele CA5506046.

ClinVar aggregate classification (germline): Uncertain significance. Review status: criteria provided, single submitter (1 of 4 stars). 2 submissions from 2 submitters: Uncertain significance (1). 1 of the submissions does not count toward it. Last evaluated 2017-08-03.

Conditions:
Usher syndrome type 1F (USH1F). Also called: USHER SYNDROME, TYPE IF. Identifiers: Orphanet 231169, Orphanet 886, MedGen C1865885, MONDO:0011186, OMIM 602083.

Allele frequency attached by ClinVar (database versions not stated): gnomAD 0.00001; gnomAD exomes 0.00001 and 0.00002; ExAC 0.00004.
gnomAD v4.1: 20 of 1,613,876 alleles (0.0012%); highest among the groups gnomAD compares: Middle Eastern, 0.016%; no homozygotes.

Submissions (2):

Laboratory for Molecular Medicine, Mass General Brigham Personalized Medicine
Classification: Uncertain significance. Last evaluated: 2017-08-03. Review status: criteria provided, single submitter. Criteria: LMM Criteria. Collection method: clinical testing. Allele origin: germline. Observed: 1 variant allele.
Comment: The p.Tyr785Cys variant in PCDH15 has not been previously reported in individual s with hearing loss or Usher syndrome, but has been identified in 2/17246 East A sian chromosomes and 4/111324 European chromosomes by the Genome Aggregation Dat abase (gnomAD; dbSNP rs753912234). Although t his variant has been seen in the general population, its frequency is not high e nough to rule out a pathogenic role. Computational prediction tools and conserva tion analyses suggest that this variant may impact the protein, though this info rmation is not predictive enough to determine pathogenicity. In summary, the cli nical significance of the p.Tyr785Cys variant is uncertain.

Natera, Inc.
Classification: Uncertain significance for Usher syndrome type 1F. Last evaluated: 2019-11-11. Review status: no assertion criteria provided. Collection method: clinical testing. Allele origin: germline. Not counted in ClinVar's aggregate classification.